The following is an entry in ClinVar:

NM_002187.3(IL12B):c.*225A>C

Gene: IL12B (interleukin 12B; minus strand). Cytogenetic location: 5q33.3.
Variant type: single nucleotide variant.
Coding change: c.*225A>C on transcript NM_002187.3 (MANE Select); 225 bases downstream of the stop codon, A replaced by C.
Molecular consequence: 3 prime UTR variant.
Genome position (GRCh38, 1-based): chr5:159,315,876, T>G on the plus strand (A>C on the coding strand, the complement: IL12B is on the minus strand). VCF-style: chr5-159315876-T-G. GRCh37 (hg19) VCF-style: chr5-158742884-T-G.
Identifiers: ClinVar variation 352568 (VCV000352568.5), dbSNP rs3213113, ClinGen allele CA10623794.

ClinVar aggregate classification (germline): Benign (1 of 4 stars; one submission).

Conditions:
Mendelian susceptibility to mycobacterial diseases due to complete IL12B deficiency. Also called: IL12B DEFICIENCY; Immunodeficiency 29. Identifiers: Orphanet 319558, MedGen C4013948, MONDO:0013954, OMIM 614890.

Allele frequency attached by ClinVar (database versions not stated): gnomAD 0.01270 and 0.01366; TOPMed 0.01516; 1000 Genomes Project 0.01558; 1000 Genomes Project 30x 0.01577.

Submission:

Illumina Laboratory Services, Illumina
Classification: Benign for Mendelian susceptibility to mycobacterial diseases due to complete IL12B deficiency. Last evaluated: 2018-01-13. Review status: criteria provided, single submitter. Criteria: ICSL Variant Classification Criteria 13 December 2019. Collection method: clinical testing. Allele origin: germline.
Comment: This variant was observed in the ICSL laboratory as part of a predisposition screen in an ostensibly healthy population. It had not been previously curated by ICSL or reported in the Human Gene Mutation Database (HGMD: prior to June 1st, 2018), and was therefore a candidate for classification through an automated scoring system. Utilizing variant allele frequency, disease prevalence and penetrance estimates, and inheritance mode, an automated score was calculated to assess if this variant is too frequent to cause the disease. Based on the score and internal cut-off values, a variant classified as benign is not then subjected to further curation. The score for this variant resulted in a classification of benign for this disease.